The following is an entry in ClinVar:

NM_018122.5(DARS2):c.119_120dup (p.Ile41fs)

Gene: DARS2 (aspartyl-tRNA synthetase 2, mitochondrial; plus strand). Cytogenetic location: 1q25.1.
Variant type: Microsatellite.
Coding change: c.119_120dup on transcript NM_018122.5 (MANE Select); coding-DNA positions 119 to 120, 2 bases duplicated (GA; older notation c.119_120dupGA).
Protein change: p.Ile41fs; shifts the reading frame from isoleucine 41.
Molecular consequence: frameshift variant.
Genome position (GRCh38, 1-based): chr1:173,825,348-173,825,349, GA duplicated; duplicating any 2 consecutive bases within chr1:173,825,346-173,825,349 gives the same sequence; the c. name uses the placement nearest the transcript's 3' end. VCF-style (leftmost placement, unchanged base first): chr1-173825345-G-GGA. GRCh37 (hg19) VCF-style: chr1-173794483-G-GGA.
Other names: c.119_120dup, p.Ile41fs (NM_001365212.1, NM_001365213.2); c.119_120dupGA (NM_018122.5); short protein forms I41fs.
Identifiers: ClinVar variation 3251557 (VCV003251557.1), dbSNP rs2525817489.
Genomic context (GRCh38, chr1:173,825,345, plus strand): 5'-GAAGGACCACCCAACCGATCTGGGGTTCTCTCTACAGAAGTCTGTTGCAGAGTTCACAGA[G>GGA]GAGAATTCCAGGTGAAAATAGCGAAGAGATCTATCCTATGAACAGTACTTCAGCCTGTTA-3'

ClinVar aggregate classification (germline): Pathogenic (1 of 4 stars; one submission).

Conditions:
Leukoencephalopathy with brain stem and spinal cord involvement-high lactate syndrome (LBSL). Also called: LEUKOENCEPHALOPATHY WITH BRAINSTEM AND SPINAL CORD INVOLVEMENT AND LACTATE ELEVATION, MILD; MITOCHONDRIAL ASPARTYL-tRNA SYNTHETASE DEFICIENCY; Leukoencephalopathy with Brainstem and Spinal Cord Involvement and Lactate Elevation. Identifiers: Orphanet 137898, MedGen C1970180, MONDO:0012622, OMIM 611105.

Submission:

Women's Health and Genetics/Laboratory Corporation of America, LabCorp
Classification: Pathogenic for Leukoencephalopathy with brain stem and spinal cord involvement-high lactate syndrome. Last evaluated: 2024-04-03. Review status: criteria provided, single submitter. Criteria: LabCorp Variant Classification Summary - May 2015. Collection method: clinical testing. Allele origin: germline.
Comment: Variant summary: DARS2 c.119_120dupGA (p.Ile41GlufsX23) results in a premature termination codon, predicted to cause a truncation of the encoded protein or absence of the protein due to nonsense mediated decay, which are commonly known mechanisms for disease. The variant was absent in 251414 control chromosomes. To our knowledge, no occurrence of c.119_120dupGA in individuals affected with Leukoencephalopathy With Brain Stem And Spinal Cord Involvement-High Lactate Syndrome and no experimental evidence demonstrating its impact on protein function have been reported. No submitters have cited clinical-significance assessments for this variant to ClinVar. Based on the evidence outlined above, the variant was classified as pathogenic.